The following is an entry in ClinVar:

ClinVar aggregate classification (germline): Pathogenic (1 of 4 stars; one submission).

Conditions:
Charcot-Marie-Tooth disease, type I (CMT1). Also called: Charcot-Marie-Tooth, Type 1; Charcot-Marie-Tooth disease type 1. Identifiers: Orphanet 65753, MedGen C0751036, MONDO:0019011.

Submission:

Labcorp Genetics (formerly Invitae), Labcorp
Classification: Pathogenic for Charcot-Marie-Tooth disease, type I. Last evaluated: 2025-08-21. Review status: criteria provided, single submitter. Criteria: Invitae Variant Classification Sherloc (09022015). Collection method: clinical testing. Allele origin: germline.
Comment: This sequence change replaces valine, which is neutral and non-polar, with alanine, which is neutral and non-polar, at codon 146 of the MPZ protein (p.Val146Ala). This variant is not present in population databases (gnomAD no frequency). This missense change has been observed in individuals with Charcot-Marie-Tooth disease (PMID: 31393079, 34255403, 35297556, 36692866). It has also been observed to segregate with disease in related individuals. ClinVar contains an entry for this variant (Variation ID: 1045186). Invitae Evidence Modeling of protein sequence and biophysical properties (such as structural, functional, and spatial information, amino acid conservation, physicochemical variation, residue mobility, and thermodynamic stability) indicates that this missense variant is expected to disrupt MPZ protein function with a positive predictive value of 80%. This variant disrupts the p.Val146 amino acid residue in MPZ. Other variant(s) that disrupt this residue have been observed in individuals with MPZ-related conditions (PMID: 10885340, 20456450), which suggests that this may be a clinically significant amino acid residue. For these reasons, this variant has been classified as Pathogenic.

Literature cited by the submitters: PubMed 31393079; PubMed 34255403; PubMed 35297556; PubMed 36692866; PubMed 10885340; PubMed 20456450.

NM_000530.8(MPZ):c.437T>C (p.Val146Ala)

Gene: MPZ (myelin protein zero; minus strand). Cytogenetic location: 1q23.3.
Variant type: single nucleotide variant.
Coding change: c.437T>C on transcript NM_000530.8 (MANE Select); coding-DNA position 437, T replaced by C.
Protein change: p.Val146Ala; replaces valine 146 with alanine.
Molecular consequence: missense variant.
Genome position (GRCh38, 1-based): chr1:161,306,719, A>G on the plus strand (T>C on the coding strand, the complement: MPZ is on the minus strand). VCF-style: chr1-161306719-A-G. GRCh37 (hg19) VCF-style: chr1-161276509-A-G.
Other names: c.437T>C, p.Val146Ala (NM_001315491.2); short protein forms V146A.
Identifiers: ClinVar variation 1045186 (VCV001045186.8), dbSNP rs1571818614, ClinGen allele CA343348210.